The following is an entry in ClinVar:

NM_003612.5(SEMA7A):c.1095+7G>A

Gene: SEMA7A (semaphorin 7A (JohnMiltonHagen blood group); minus strand). Cytogenetic location: 15q24.1.
Variant type: single nucleotide variant.
Coding change: c.1095+7G>A on transcript NM_003612.5 (MANE Select); 7 bases into the intron after coding-DNA position 1095, G replaced by A.
Molecular consequence: intron variant.
Genome position (GRCh38, 1-based): chr15:74,414,831, C>T on the plus strand (G>A on the coding strand, the complement: SEMA7A is on the minus strand). VCF-style: chr15-74414831-C-T. GRCh37 (hg19) VCF-style: chr15-74707172-C-T.
Other names: c.1053+7G>A (NM_001146029.3); c.600+7G>A (NM_001146030.3).
Identifiers: ClinVar variation 3033564 (VCV003033564.2), dbSNP rs190116829, ClinGen allele CA7657020.
Genomic context (GRCh38, chr15:74,414,831, plus strand): 5'-CAGTGGGGTGGTGGGAGGTGAGGCAGAAGGAGGGCTGGGCCTGGGCCACGGCTGGTGTCA[C>T]GCTCACCTTGCCAGGCCGCGGGTTGGGAAGGCTTGAGTGGTAGCCCTTGAGTGAGGAGGT-3'

ClinVar aggregate classification (germline): Benign (0 of 4 stars; one submission).

Conditions:
SEMA7A-related disorder. Also called: SEMA7A-related condition.

Allele frequency attached by ClinVar (database versions not stated): 1000 Genomes Project 0.00020; 1000 Genomes Project 30x 0.00031; ESP Exome Variant Server 0.00069; gnomAD 0.00077; TOPMed 0.00078; ExAC 0.00092.
gnomAD v4.1: 1,147 of 1,614,094 alleles (0.071%); highest among the groups gnomAD compares: Middle Eastern, 0.099%; 8 homozygotes.

Submission:

PreventionGenetics, part of Exact Sciences
Classification: Benign for SEMA7A-related condition. Last evaluated: 2019-06-12. Review status: no assertion criteria provided. Collection method: clinical testing. Allele origin: germline.
Comment: This variant is classified as benign based on ACMG/AMP sequence variant interpretation guidelines (Richards et al. 2015 PMID: 25741868, with internal and published modifications).